The following is an entry in ClinVar:

NM_000256.3(MYBPC3):c.1498A>C (p.Lys500Gln)

Gene: MYBPC3 (myosin binding protein C3; minus strand). Cytogenetic location: 11p11.2.
Variant type: single nucleotide variant.
Coding change: c.1498A>C on transcript NM_000256.3 (MANE Select); coding-DNA position 1498, A replaced by C.
Protein change: p.Lys500Gln; replaces lysine 500 with glutamine.
Molecular consequence: missense variant.
Genome position (GRCh38, 1-based): chr11:47,342,704, T>G on the plus strand (A>C on the coding strand, the complement: MYBPC3 is on the minus strand). VCF-style: chr11-47342704-T-G. GRCh37 (hg19) VCF-style: chr11-47364255-T-G.
Other names: c.1498A>C, p.Lys500Gln (LRG_386t1); short protein forms K500Q.
Identifiers: ClinVar variation 454305 (VCV000454305.10), dbSNP rs1555122190, ClinGen allele CA380325236.

ClinVar aggregate classification (germline): Uncertain significance. Review status: criteria provided, multiple submitters, no conflicts (2 of 4 stars). 2 submissions from 2 submitters: Uncertain significance (2). Last evaluated 2024-10-30.

Conditions:
Hypertrophic cardiomyopathy. Also called: HYPERTROPHIC MYOCARDIOPATHY. Identifiers: Orphanet 217569, MedGen C0007194, MeSH D002312, MONDO:0005045, HP:0001639.

Allele frequency attached by ClinVar (database versions not stated): gnomAD exomes below 0.00001.
gnomAD v4.1: 1 of 1,614,022 alleles (0.000062%); highest among the groups gnomAD compares: Admixed American, 0.0017%; no homozygotes.

Submissions (2):

Women's Health and Genetics/Laboratory Corporation of America, LabCorp
Classification: Uncertain significance. Last evaluated: 2024-10-30. Review status: criteria provided, single submitter. Criteria: LabCorp Variant Classification Summary - May 2015. Collection method: clinical testing. Allele origin: germline.
Comment: Variant summary: MYBPC3 c.1498A>C (p.Lys500Gln) results in a conservative amino acid change located in the Immunoglobulin subtype 2 domain (IPR003598) of the encoded protein sequence. Three of four in-silico tools predict a damaging effect of the variant on protein function. The variant was absent in 249248 control chromosomes. The available data on variant occurrences in the general population are insufficient to allow any conclusion about variant significance. c.1498A>C has been reported in the literature in at least one individual affected with Hypertrophic Cardiomyopathy (McGurk_2023). These report(s) do not provide unequivocal conclusions about association of the variant with Hypertrophic Cardiomyopathy. To our knowledge, no experimental evidence demonstrating an impact on protein function has been reported. The following publication has been ascertained in the context of this evaluation (PMID: 37652022). ClinVar contains an entry for this variant (Variation ID: 454305). Based on the evidence outlined above, the variant was classified as uncertain significance.

Labcorp Genetics (formerly Invitae), Labcorp
Classification: Uncertain significance for Hypertrophic cardiomyopathy. Last evaluated: 2024-05-06. Review status: criteria provided, single submitter. Criteria: Invitae Variant Classification Sherloc (09022015). Collection method: clinical testing. Allele origin: germline.
Comment: This sequence change replaces lysine, which is basic and polar, with glutamine, which is neutral and polar, at codon 500 of the MYBPC3 protein (p.Lys500Gln). This variant is not present in population databases (gnomAD no frequency). This variant has not been reported in the literature in individuals affected with MYBPC3-related conditions. ClinVar contains an entry for this variant (Variation ID: 454305). An algorithm developed to predict the effect of missense changes on protein structure and function (PolyPhen-2) suggests that this variant is likely to be disruptive. In summary, the available evidence is currently insufficient to determine the role of this variant in disease. Therefore, it has been classified as a Variant of Uncertain Significance.

Literature cited by the submitters: PubMed 37652022 (cited by Women's Health and Genetics/Laboratory Corporation of America, LabCorp).